The following is an entry in ClinVar:

NM_000260.4(MYO7A):c.1476C>T (p.Asn492=)

Gene: MYO7A (myosin VIIA; plus strand). Cytogenetic location: 11q13.5.
Variant type: single nucleotide variant.
Coding change: c.1476C>T on transcript NM_000260.4 (MANE Select); coding-DNA position 1476, C replaced by T.
Protein change: p.Asn492=; no amino-acid change (asparagine 492 retained).
Molecular consequence: synonymous variant.
Genome position (GRCh38, 1-based): chr11:77,162,252, C>T. VCF-style: chr11-77162252-C-T. GRCh37 (hg19) VCF-style: chr11-76873298-C-T.
Other names: c.1476C>T (NM_000260.3); c.1476C>T, p.Asn492= (NM_001127180.2); c.1443C>T, p.Asn481= (NM_001369365.1).
Identifiers: ClinVar variation 1093492 (VCV001093492.10), dbSNP rs1440439015, ClinGen allele CA475793820.

ClinVar aggregate classification (germline): Conflicting classifications of pathogenicity. Review status: criteria provided, conflicting classifications (1 of 4 stars). 2 submissions from 2 submitters: Uncertain significance (1); Likely benign (1). Last evaluated 2025-08-14.

Allele frequency attached by ClinVar (database versions not stated): gnomAD exomes 0.00002; TOPMed 0.00002; gnomAD 0.00001.
gnomAD v4.1: 14 of 1,559,696 alleles (0.0009%); highest among the groups gnomAD compares: Admixed American, 0.0019%; no homozygotes.

Submissions (2):

GeneDx
Classification: Uncertain significance. Last evaluated: 2025-08-14. Review status: criteria provided, single submitter. Criteria: GeneDx Variant Classification Process June 2021. Collection method: clinical testing. Allele origin: germline. Affected: yes.
Comment: In silico analysis suggests that this variant does not alter splicing; Has not been previously published as pathogenic or benign to our knowledge

Labcorp Genetics (formerly Invitae), Labcorp
Classification: Likely benign. Last evaluated: 2025-02-28. Review status: criteria provided, single submitter. Criteria: Invitae Variant Classification Sherloc (09022015). Collection method: clinical testing. Allele origin: germline.